The following is an entry in ClinVar:

ClinVar aggregate classification (germline): Benign. Review status: criteria provided, multiple submitters, no conflicts (2 of 4 stars). 3 submissions from 3 submitters: Benign (3). Last evaluated 2025-06-01.

Allele frequency attached by ClinVar (database versions not stated): 1000 Genomes Project 30x 0.00203; 1000 Genomes Project 0.00220; TOPMed 0.00563; gnomAD 0.00645 and 0.00654; gnomAD exomes 0.00758 and 0.00906; ExAC 0.00828; ESP Exome Variant Server 0.00869.
gnomAD v4.1: 14,204 of 1,613,280 alleles (0.88%); highest among the groups gnomAD compares: Non-Finnish European, 1%; 74 homozygotes.

Submissions (3):

CeGaT Center for Human Genetics Tuebingen
Classification: Benign. Last evaluated: 2025-06-01. Review status: criteria provided, single submitter. Criteria: CeGaT Center For Human Genetics Tuebingen Variant Classification Criteria Version 2. Collection method: clinical testing. Allele origin: germline. Affected: yes. Observed: 1 variant allele.
Comment: TRIM24: BS1, BS2

Labcorp Genetics (formerly Invitae), Labcorp
Classification: Benign. Last evaluated: 2018-04-11. Review status: criteria provided, single submitter. Criteria: Invitae Variant Classification Sherloc (09022015). Collection method: clinical testing. Allele origin: germline.

Breakthrough Genomics
Classification: Benign. Review status: criteria provided, single submitter. Criteria: ACMG Guidelines, 2015. Collection method: not provided. Allele origin: germline. Inheritance: Unknown mechanism. Affected: yes.

NM_015905.3(TRIM24):c.2616C>G (p.Asp872Glu)

Gene: TRIM24 (tripartite motif containing 24; plus strand). Cytogenetic location: 7q34.
Variant type: single nucleotide variant.
Coding change: c.2616C>G on transcript NM_015905.3 (MANE Select); coding-DNA position 2616, C replaced by G.
Protein change: p.Asp872Glu; replaces aspartic acid 872 with glutamic acid.
Molecular consequence: missense variant.
Genome position (GRCh38, 1-based): chr7:138,580,592, C>G. VCF-style: chr7-138580592-C-G. GRCh37 (hg19) VCF-style: chr7-138265337-C-G.
Other names: c.2514C>G, p.Asp838Glu (NM_003852.4); short protein forms D838E, D872E.
Identifiers: ClinVar variation 774456 (VCV000774456.14), dbSNP rs61751967, ClinGen allele CA4503595.
Genomic context (GRCh38, chr7:138,580,592, plus strand): 5'-GGAATTCAAAAGTACATTGTCCCCTAACAGTGGAGAGTGGATTTGCACTTTCTGCCGAGA[C>G]TTATCTAAACCAGAAGTTGAATATGATTGTGATGCTCCCAGTCACAACTCAGAAAAAAAG-3'
Protein context (NP_056989.2, residues 862-882): SGEWICTFCR[Asp872Glu]LSKPEVEYDC